The following is an entry in ClinVar:

ClinVar aggregate classification (germline): Uncertain significance (1 of 4 stars; one submission).

Submission:

GeneDx
Classification: Uncertain significance. Last evaluated: 2023-12-04. Review status: criteria provided, single submitter. Criteria: GeneDx Variant Classification Process June 2021. Collection method: clinical testing. Allele origin: germline. Affected: yes.
Comment: Not observed at significant frequency in large population cohorts (gnomAD); In silico analysis supports that this missense variant has a deleterious effect on protein structure/function; Has not been previously published as pathogenic or benign to our knowledge

NM_001001331.4(ATP2B2):c.1901A>T (p.Lys634Met)

Gene: ATP2B2 (ATPase plasma membrane Ca2+ transporting 2; minus strand). Cytogenetic location: 3p25.3.
Variant type: single nucleotide variant.
Coding change: c.1901A>T on transcript NM_001001331.4 (MANE Select); coding-DNA position 1901, A replaced by T.
Protein change: p.Lys634Met; replaces lysine 634 with methionine.
Molecular consequence: missense variant.
Genome position (GRCh38, 1-based): chr3:10,359,882, T>A on the plus strand (A>T on the coding strand, the complement: ATP2B2 is on the minus strand). VCF-style: chr3-10359882-T-A. GRCh37 (hg19) VCF-style: chr3-10401566-T-A.
Other names: c.1766A>T, p.Lys589Met (NM_001330611.3, NM_001353564.1, NM_001363862.1 and 1 more transcripts); short protein forms K589M, K634M.
Identifiers: ClinVar variation 3365002 (VCV003365002.1).